The following is an entry in ClinVar:

ClinVar aggregate classification (germline): Uncertain significance (1 of 4 stars; one submission).

Conditions:
Fanconi anemia (FA). Also called: Fanconi's anemia. Identifiers: Orphanet 84, MedGen C0015625, MeSH D005199, MONDO:0019391.

Allele frequency attached by ClinVar (database versions not stated): TOPMed 0.00001.

Submission:

Labcorp Genetics (formerly Invitae), Labcorp
Classification: Uncertain significance for Fanconi anemia. Last evaluated: 2022-03-29. Review status: criteria provided, single submitter. Criteria: Invitae Variant Classification Sherloc (09022015). Collection method: clinical testing. Allele origin: germline.
Comment: This variant has not been reported in the literature in individuals affected with FANCI-related conditions. In summary, the available evidence is currently insufficient to determine the role of this variant in disease. Therefore, it has been classified as a Variant of Uncertain Significance. Algorithms developed to predict the effect of sequence changes on RNA splicing suggest that this variant may disrupt the consensus splice site. Algorithms developed to predict the effect of missense changes on protein structure and function (SIFT, PolyPhen-2, Align-GVGD) all suggest that this variant is likely to be tolerated. This variant is not present in population databases (gnomAD no frequency). This sequence change replaces methionine, which is neutral and non-polar, with arginine, which is basic and polar, at codon 776 of the FANCI protein (p.Met776Arg).

NM_001113378.2(FANCI):c.2327T>G (p.Met776Arg)

Gene: FANCI (FA complementation group I; plus strand). Cytogenetic location: 15q26.1.
Variant type: single nucleotide variant.
Coding change: c.2327T>G on transcript NM_001113378.2 (MANE Select); coding-DNA position 2327, T replaced by G.
Protein change: p.Met776Arg; replaces methionine 776 with arginine.
Molecular consequence: missense variant.
Genome position (GRCh38, 1-based): chr15:89,293,868, T>G. VCF-style: chr15-89293868-T-G. GRCh37 (hg19) VCF-style: chr15-89837099-T-G.
Other names: c.2048T>G, p.Met683Arg (NM_001376910.1); c.2327T>G, p.Met776Arg (NM_001376911.1, NM_018193.3); short protein forms M683R, M776R.
Identifiers: ClinVar variation 2010851 (VCV002010851.2), dbSNP rs758421394, ClinGen allele CA393750095.